The following is an entry in ClinVar:

ClinVar aggregate classification (germline): Uncertain significance. Review status: criteria provided, multiple submitters, no conflicts (2 of 4 stars). 3 submissions from 3 submitters: Uncertain significance (3). Last evaluated 2025-08-03.

Conditions:
Familial thoracic aortic aneurysm and aortic dissection (TAAD). Also called: Thoracic aortic aneurysms and dissections. Identifiers: Orphanet 91387, MedGen C4707243, MONDO:0019625.
Aortic aneurysm, familial thoracic 4 (AAT4). Also called: AORTIC ANEURYSM/AORTIC DISSECTION AND PATENT DUCTUS ARTERIOSUS. Identifiers: MedGen C1851504, MONDO:0007568, OMIM 132900.

Allele frequency attached by ClinVar (database versions not stated): TOPMed below 0.00001.

Submissions (3):

GeneDx
Classification: Uncertain significance. Last evaluated: 2025-08-03. Review status: criteria provided, single submitter. Criteria: GeneDx Variant Classification Process June 2021. Collection method: clinical testing. Allele origin: germline. Affected: yes.
Comment: Not observed at significant frequency in large population cohorts (gnomAD); In silico analysis supports that this missense variant has a deleterious effect on protein structure/function; Has not been previously published as pathogenic or benign to our knowledge

Labcorp Genetics (formerly Invitae), Labcorp
Classification: Uncertain significance for Aortic aneurysm, familial thoracic 4. Last evaluated: 2025-07-07. Review status: criteria provided, single submitter. Criteria: Invitae Variant Classification Sherloc (09022015). Collection method: clinical testing. Allele origin: germline.
Comment: This sequence change replaces glutamic acid, which is acidic and polar, with glutamine, which is neutral and polar, at codon 762 of the MYH11 protein (p.Glu762Gln). This variant is not present in population databases (gnomAD no frequency). This variant has not been reported in the literature in individuals affected with MYH11-related conditions. ClinVar contains an entry for this variant (Variation ID: 1788670). Invitae Evidence Modeling of protein sequence and biophysical properties (such as structural, functional, and spatial information, amino acid conservation, physicochemical variation, residue mobility, and thermodynamic stability) indicates that this missense variant is not expected to disrupt MYH11 protein function with a negative predictive value of 95%. In summary, the available evidence is currently insufficient to determine the role of this variant in disease. Therefore, it has been classified as a Variant of Uncertain Significance.

Ambry Genetics
Classification: Uncertain significance for Familial thoracic aortic aneurysm and aortic dissection. Last evaluated: 2022-07-06. Review status: criteria provided, single submitter. Criteria: Ambry Variant Classification Scheme 2023. Collection method: clinical testing. Allele origin: germline.
Comment: The p.E755Q variant (also known as c.2263G>C), located in coding exon 18 of the MYH11 gene, results from a G to C substitution at nucleotide position 2263. The glutamic acid at codon 755 is replaced by glutamine, an amino acid with highly similar properties. This amino acid position is conserved. In addition, the in silico prediction for this alteration is inconclusive. Since supporting evidence is limited at this time, the clinical significance of this alteration remains unclear.

NM_002474.3(MYH11):c.2263G>C (p.Glu755Gln)

Gene: MYH11 (myosin heavy chain 11; minus strand). Cytogenetic location: 16p13.11.
Variant type: single nucleotide variant.
Coding change: c.2263G>C on transcript NM_002474.3 (MANE Select); coding-DNA position 2263, G replaced by C.
Protein change: p.Glu755Gln; replaces glutamic acid 755 with glutamine.
Molecular consequence: missense variant.
Genome position (GRCh38, 1-based): chr16:15,747,718, C>G on the plus strand (G>C on the coding strand, the complement: MYH11 is on the minus strand). VCF-style: chr16-15747718-C-G. GRCh37 (hg19) VCF-style: chr16-15841575-C-G.
Other names: c.2284G>C, p.Glu762Gln (NM_001040113.2, NM_001040114.2); c.2263G>C, p.Glu755Gln (NM_022844.3); short protein forms E762Q, E755Q.
Identifiers: ClinVar variation 1788670 (VCV001788670.5), dbSNP rs2041457024, ClinGen allele CA394867561.